The following is an entry in ClinVar:

ClinVar aggregate classification (germline): Uncertain significance (1 of 4 stars; one submission).

Conditions:
Norman-Roberts syndrome (LIS2). Also called: Lissencephaly 2 (Norman-Roberts type). Identifiers: Orphanet 89844, MedGen C0796089, MONDO:0009760, OMIM 257320.
Familial temporal lobe epilepsy 7. Identifiers: Orphanet 101046, MedGen C4225327, MONDO:0014639, OMIM 616436.

Allele frequency attached by ClinVar (database versions not stated): ExAC 0.00002.
gnomAD v4.1: 15 of 1,614,036 alleles (0.00093%); highest among the groups gnomAD compares: Admixed American, 0.0033%; no homozygotes.

Submission:

Labcorp Genetics (formerly Invitae), Labcorp
Classification: Uncertain significance for Familial temporal lobe epilepsy 7; Norman-Roberts syndrome. Last evaluated: 2026-01-20. Review status: criteria provided, single submitter. Criteria: Invitae Variant Classification Sherloc (09022015). Collection method: clinical testing. Allele origin: germline.
Comment: This sequence change replaces proline, which is neutral and non-polar, with threonine, which is neutral and polar, at codon 70 of the RELN protein (p.Pro70Thr). This variant is present in population databases (rs773680003, gnomAD 0.006%). This variant has not been reported in the literature in individuals affected with RELN-related conditions. ClinVar contains an entry for this variant (Variation ID: 945945). Invitae Evidence Modeling of protein sequence and biophysical properties (such as structural, functional, and spatial information, amino acid conservation, physicochemical variation, residue mobility, and thermodynamic stability) indicates that this missense variant is not expected to disrupt RELN protein function with a negative predictive value of 80%. In summary, the available evidence is currently insufficient to determine the role of this variant in disease. Therefore, it has been classified as a Variant of Uncertain Significance.

NM_005045.4(RELN):c.208C>A (p.Pro70Thr)

Gene: RELN (reelin; minus strand). Cytogenetic location: 7q22.1.
Variant type: single nucleotide variant.
Coding change: c.208C>A on transcript NM_005045.4 (MANE Select); coding-DNA position 208, C replaced by A.
Protein change: p.Pro70Thr; replaces proline 70 with threonine.
Molecular consequence: missense variant.
Genome position (GRCh38, 1-based): chr7:103,989,149, G>T on the plus strand (C>A on the coding strand, the complement: RELN is on the minus strand). VCF-style: chr7-103989149-G-T. GRCh37 (hg19) VCF-style: chr7-103629596-G-T.
Other names: c.208C>A, p.Pro70Thr (NM_173054.3); short protein forms P70T.
Identifiers: ClinVar variation 945945 (VCV000945945.9), dbSNP rs773680003, ClinGen allele CA4422700.